The following is an entry in ClinVar:

ClinVar aggregate classification (germline): Uncertain significance (1 of 4 stars; one submission).

Submission:

GeneDx
Classification: Uncertain significance. Last evaluated: 2024-06-24. Review status: criteria provided, single submitter. Criteria: GeneDx Variant Classification Process June 2021. Collection method: clinical testing. Allele origin: germline. Affected: yes.
Comment: Not observed at significant frequency in large population cohorts (gnomAD); In silico analysis indicates that this missense variant does not alter protein structure/function; Has not been previously published as pathogenic or benign to our knowledge

NM_001079872.2(CUL4B):c.62G>C (p.Arg21Thr)

Genes: CUL4B (cullin 4B; minus strand), LOC113845788 (Sharpr-MPRA regulatory region 11856; plus strand). Cytogenetic location: Xq24.
Variant type: single nucleotide variant.
Coding change: c.62G>C on transcript NM_001079872.2 (MANE Select); coding-DNA position 62, G replaced by C.
Protein change: p.Arg21Thr; replaces arginine 21 with threonine.
Molecular consequence: missense variant.
Genome position (GRCh38, 1-based): chrX:120,560,577, C>G on the plus strand (G>C on the coding strand, the complement: CUL4B is on the minus strand). VCF-style: chrX-120560577-C-G. GRCh37 (hg19) VCF-style: chrX-119694432-C-G.
Other names: c.77G>C, p.Arg26Thr (NM_001330624.2); c.116G>C, p.Arg39Thr (NM_003588.4); short protein forms R21T, R26T, R39T.
Identifiers: ClinVar variation 3392670 (VCV003392670.1).
Genomic context (GRCh38, chrX:120,560,577, plus strand): 5'-AACTTTCTCTTCTTGGCAGAGGTGGGCGGAGTGGTGCTGGTATTACCATCAGTGGCAGAT[C>G]TGACCTCCTGAGCAGCAGCAGCAGCTGAGGGACTGGGGGAAGAAAAACCTGTTGGAAACA-3'
Protein context (NP_001073341.1, residues 11-31): PSAAAAAQEV[Arg21Thr]SATDGNTSTT